The following is an entry in ClinVar:

ClinVar aggregate classification (germline): Pathogenic/Likely pathogenic. Review status: criteria provided, multiple submitters, no conflicts (2 of 4 stars). 14 submissions from 14 submitters: Pathogenic (9); Likely pathogenic (1). 4 of the submissions do not count toward it. Last evaluated 2026-07-01.

Conditions:
Branchiootic syndrome. Also called: Branchiootic Syndrome (BOS). Identifiers: Orphanet 52429, MedGen C4273131, MONDO:0018878.
SIX1-related disorder. Also called: SIX1-related condition.
Inborn genetic diseases. Identifiers: MedGen C0950123, MeSH D030342.
Autosomal dominant nonsyndromic hearing loss 23. Identifiers: Orphanet 90635, MedGen C1854594, MONDO:0011519, OMIM 605192.
Branchiootic syndrome 3 (BOS3). Also called: BO SYNDROME 3. Identifiers: MedGen C1842124, MONDO:0012025, OMIM 608389.
Branchiootorenal syndrome 1. Also called: Branchio-Oto-Renal Syndrome 1. Identifiers: Orphanet 107, MedGen C4551702, MONDO:0007236, OMIM 113650.

Allele frequency attached by ClinVar (database versions not stated): gnomAD exomes below 0.00001; TOPMed below 0.00001.
gnomAD v4.1: 2 of 1,614,204 alleles (0.00012%); highest among the groups gnomAD compares: African/African-American, 0.0013%; no homozygotes.

Submissions (14):

CeGaT Center for Human Genetics Tuebingen
Classification: Pathogenic. Last evaluated: 2026-07-01. Review status: criteria provided, single submitter. Criteria: CeGaT Center For Human Genetics Tuebingen Variant Classification Criteria Version 2. Collection method: clinical testing. Allele origin: germline. Affected: yes. Observed: 1 variant allele.
Comment: SIX1: PM1, PM2, PM5, PS4:Moderate, PP3, PS3:Supporting

PreventionGenetics, part of Exact Sciences
Classification: Likely pathogenic for SIX1-related condition. Last evaluated: 2026-02-27. Review status: criteria provided, single submitter. Criteria: ACMG Guidelines, 2015. Collection method: clinical testing. Allele origin: germline.
Comment: The SIX1 c.386A>G variant is predicted to result in the amino acid substitution p.Tyr129Cys. This variant has been reported to segregate with branchiootic syndrome (BOS) in one large family with 18 affected individuals and was also found in two additional individuals with BOS from two unrelated families (Ruf et al. 2004. PubMed ID: 15141091; Ito et al. 2006. PubMed ID: 16652090; Noguchi et al. 2011. PubMed ID: 21254961). Functional experiments found this variant reduced DNA binding activity (Ruf et al. 2004. PubMed ID: 15141091; Patrick et al. 2009. PubMed ID: 19497856). This variant is reported in 0.0062% of alleles in individuals of African descent in gnomAD. This variant is interpreted as likely pathogenic.

Ambry Genetics
Classification: Pathogenic for Inborn genetic diseases. Last evaluated: 2025-10-21. Review status: criteria provided, single submitter. Criteria: Ambry Variant Classification Scheme 2023. Collection method: clinical testing. Allele origin: germline.
Comment: The c.386A>G (p.Y129C) alteration is located in exon 1 (coding exon 1) of the SIX1 gene. This alteration results from a A to G substitution at nucleotide position 386, causing the tyrosine (Y) at amino acid position 129 to be replaced by a cysteine (C). Based on data from gnomAD, the G allele has an overall frequency of <0.001% (1/251416) total alleles studied. The highest observed frequency was 0.006% (1/16252) of African alleles. This variant was reported in individual(s) with features consistent with SIX1-related branchiootorenal spectrum disorder (Ruf, 2004; Ito, 2006; Krug, 2011; Noguchi, 2011; Nishio, 2015; Antunes, 2024). This amino acid position is highly conserved in available vertebrate species. In multiple assays testing SIX1 function, this variant showed functionally abnormal results (Ruf, 2004; Patrick, 2009; Bricaud, 2011; Shah, 2020). This alteration is predicted to be deleterious by in silico analysis. Based on the available evidence, this alteration is classified as pathogenic.

Labcorp Genetics (formerly Invitae), Labcorp
Classification: Pathogenic for Autosomal dominant nonsyndromic hearing loss 23; Branchiootic syndrome 3. Last evaluated: 2025-09-08. Review status: criteria provided, single submitter. Criteria: Invitae Variant Classification Sherloc (09022015). Collection method: clinical testing. Allele origin: germline.
Comment: This sequence change replaces tyrosine, which is neutral and polar, with cysteine, which is neutral and slightly polar, at codon 129 of the SIX1 protein (p.Tyr129Cys). This variant is present in population databases (rs104894478, gnomAD 0.007%). This missense change has been observed in individuals with branchiootorenal spectrum disorders (PMID: 12843324, 15141091, 16652090, 21254961, 21280147). It has also been observed to segregate with disease in related individuals. ClinVar contains an entry for this variant (Variation ID: 8308). Invitae Evidence Modeling of protein sequence and biophysical properties (such as structural, functional, and spatial information, amino acid conservation, physicochemical variation, residue mobility, and thermodynamic stability) indicates that this missense variant is expected to disrupt SIX1 protein function with a positive predictive value of 80%. Experimental studies have shown that this missense change affects SIX1 function (PMID: 15141091, 19497856). For these reasons, this variant has been classified as Pathogenic.

Laboratory of Human Genetics, Universidade de São Paulo
Classification: Pathogenic for Branchiootic syndrome. Last evaluated: 2024-05-01. Review status: criteria provided, single submitter. Criteria: ClinGen HL ACMG Specifications v1. Collection method: research. Allele origin: paternal. Affected: yes. Observed: 2 variant alleles.
Comment: The SIX1:c.386A>G: p.Tyr129Cys variant has well-established functional studies that show damaging effect on the gene or gene product (PS3), PS2, Non-truncating non-synonymous variant is located in a mutational hotspot and/or critical and well-established functional domain (PM1), Extremely low frequency in gnomAD population databases (PM2), Different amino acid change as a known pathogenic variant (PM5), Cosegregation with disease in multiple affected family members in a gene definitively known to cause the disease (PP1), computational prediction tools unanimously support a deleterious effect on the gene (PP3), Reported in ClinVar in affected cases (PP5).

GeneDx
Classification: Pathogenic. Last evaluated: 2023-06-29. Review status: criteria provided, single submitter. Criteria: GeneDx Variant Classification Process June 2021. Collection method: clinical testing. Allele origin: germline. Affected: yes.
Comment: Observed in multiple unrelated patients from different ethnic backgrounds with clinical features of branchiootorenal spectrum disorder (Ruf et al., 2004; Ito et al., 2006; Krug et al., 2011; Noguchi et al., 2011); Published functional studies demonstrate a damaging effect with deficient DNA binding (Ruf et al., 2004; Patrick et al., 2009); Not observed at significant frequency in large population cohorts (gnomAD); In silico analysis supports that this missense variant has a deleterious effect on protein structure/function; This variant is associated with the following publications: (PMID: 15141091, 19497856, 34208995, 31980437, 31595699, 16652090, 21280147, 21254961, 25326635)

Women's Health and Genetics/Laboratory Corporation of America, LabCorp
Classification: Pathogenic for Branchiootic syndrome 3. Last evaluated: 2022-07-15. Review status: criteria provided, single submitter. Criteria: LabCorp Variant Classification Summary - May 2015. Collection method: clinical testing. Allele origin: germline.
Comment: Variant summary: SIX1 c.386A>G (p.Tyr129Cys) results in a non-conservative amino acid change located in the Homeobox domain (IPR001356) of the encoded protein sequence. Five of five in-silico tools predict a damaging effect of the variant on protein function. The variant allele was found at a frequency of 4e-06 in 251416 control chromosomes (gnomAD). c.386A>G has been reported in the literature in multiple individuals affected with Branchiootic Syndrome 3 and fully co-segregated with disease in a large kindred (Ruf_2004, Ito_2006, Noguchi_2011, Nishio_2015). These data indicate that the variant is very likely to be associated with disease. Experimental evidence evaluating an impact on protein function demonstrated the variant significantly reduced the binding activity of Six1 to DNA, and inhibited the ability of the SIX1-EYA complex to activate transcription (Ruf_2004, Patrick_2009). Three ClinVar submitters (evaluation after 2014) cite the variant as pathogenic. Based on the evidence outlined above, the variant was classified as pathogenic.

Blueprint Genetics
Classification: Pathogenic for SIX1-related disorders. Last evaluated: 2021-04-27. Review status: criteria provided, single submitter. Criteria: ACMG Guidelines, 2015. Collection method: clinical testing. Allele origin: germline. Affected: yes. Observed: 1 variant allele.

Fulgent Genetics
Classification: Pathogenic for Branchiootorenal syndrome 1; Autosomal dominant nonsyndromic hearing loss 23; Branchiootic syndrome 3. Last evaluated: 2018-10-31. Review status: criteria provided, single submitter. Criteria: ACMG Guidelines, 2015. Collection method: clinical testing. Allele origin: unknown.

Baylor Genetics
Classification: Pathogenic for Autosomal dominant nonsyndromic hearing loss 23. Last evaluated: 2017-09-01. Review status: criteria provided, single submitter. Criteria: ACMG Guidelines, 2015. Collection method: clinical testing. Allele origin: de novo. Inheritance: Autosomal dominant inheritance. Affected: yes.

OMIM
Classification: Pathogenic for BRANCHIOOTIC SYNDROME 3. Last evaluated: 2004-05-25. Review status: no assertion criteria provided. Collection method: literature only. Allele origin: germline. Not counted in ClinVar's aggregate classification.

Clinical Genetics DNA and cytogenetics Diagnostics Lab, Erasmus MC, Erasmus Medical Center
Classification: Pathogenic. Review status: no assertion criteria provided. Collection method: clinical testing. Allele origin: germline. Affected: yes. Study: VKGL Data-share Consensus. Not counted in ClinVar's aggregate classification.

GeneReviews
No classification provided. Condition: Branchiootic syndrome 3. Review status: no classification provided. Collection method: literature only. Allele origin: germline. Not counted in ClinVar's aggregate classification.

Joint Genome Diagnostic Labs from Nijmegen and Maastricht, Radboudumc and MUMC+
Classification: Pathogenic. Review status: no assertion criteria provided. Collection method: clinical testing. Allele origin: germline. Affected: yes. Study: VKGL Data-share Consensus. Not counted in ClinVar's aggregate classification.

Literature cited by the submitters: PubMed 15141091 (cited by 5 submitters); PubMed 16652090 (cited by 4 submitters); PubMed 19497856 (cited by 4 submitters); PubMed 21254961 (cited by 3 submitters); PubMed 21280147 (cited by Ambry Genetics and Labcorp Genetics (formerly Invitae), Labcorp); PubMed 21745464 (cited by Ambry Genetics); PubMed 25788563 (cited by Ambry Genetics and Women's Health and Genetics/Laboratory Corporation of America, LabCorp); PubMed 31980437 (cited by Ambry Genetics); PubMed 39498320 (cited by Ambry Genetics); PubMed 12843324 (cited by 3 submitters); PubMed 25326635 (cited by Baylor Genetics).

NM_005982.4(SIX1):c.386A>G (p.Tyr129Cys)

Gene: SIX1 (SIX homeobox 1; minus strand). Cytogenetic location: 14q23.1.
Variant type: single nucleotide variant.
Coding change: c.386A>G on transcript NM_005982.4 (MANE Select); coding-DNA position 386, A replaced by G.
Protein change: p.Tyr129Cys; replaces tyrosine 129 with cysteine.
Molecular consequence: missense variant.
Genome position (GRCh38, 1-based): chr14:60,648,804, T>C on the plus strand (A>G on the coding strand, the complement: SIX1 is on the minus strand). VCF-style: chr14-60648804-T-C. GRCh37 (hg19) VCF-style: chr14-61115522-T-C.
Other names: short protein forms Y129C.
Identifiers: ClinVar variation 8308 (VCV000008308.24), dbSNP rs104894478, ClinGen allele CA254381.